The following is an entry in ClinVar:

NM_007002.4(ADRM1):c.653C>A (p.Pro218Gln)

Gene: ADRM1 (ADRM1 26S proteasome ubiquitin receptor; plus strand). Cytogenetic location: 20q13.33.
Variant type: single nucleotide variant.
Coding change: c.653C>A on transcript NM_007002.4 (MANE Select); coding-DNA position 653, C replaced by A.
Protein change: p.Pro218Gln; replaces proline 218 with glutamine.
Molecular consequence: missense variant.
Genome position (GRCh38, 1-based): chr20:62,307,625, C>A. VCF-style: chr20-62307625-C-A. GRCh37 (hg19) VCF-style: chr20-60882681-C-A.
Other names: c.536C>A, p.Pro179Gln (NM_001281437.1, NM_001281438.1); c.653C>A, p.Pro218Gln (NM_175573.2); short protein forms P218Q, P179Q.
Identifiers: ClinVar variation 161653 (VCV000161653.2), dbSNP rs193921052, ClinGen allele CA174535.
Genomic context (GRCh38, chr20:62,307,625, plus strand): 5'-TCCGCTCCAGCGGTGCCCTCTCTCTTCGCAGCTCCCGGAGCCAGTCGGCAGCGGTCACCC[C>A]GTCATCCACCACCTCTTCCACCCGTGCCACCCCAGCCCCTTCTGCTCCAGCAGCTGCCTC-3'
Protein context (NP_008933.2, residues 208-228): SSRSQSAAVT[Pro218Gln]SSTTSSTRAT

ClinVar aggregate classification (germline): Uncertain significance (0 of 4 stars; one submission).

Conditions:
Prostate cancer. Also called: Malignant tumor of prostate. Identifiers: Orphanet 1331, MedGen C0376358, MONDO:0008315, HP:0012125.

Submission:

Science for Life laboratory,  Karolinska Institutet
Classification: Uncertain significance for Malignant tumor of prostate. Review status: no assertion criteria provided. Collection method: not provided. Allele origin: somatic.
Comment: TumorID:SWE-9
ClinVar note: Converted during submission from Unknown to Uncertain significance.